The following is an entry in ClinVar:

ClinVar aggregate classification (germline): Uncertain significance (1 of 4 stars; one submission).

Conditions:
Hereditary cancer-predisposing syndrome. Also called: Tumor predisposition; Neoplastic Syndromes, Hereditary; Hereditary Cancer Syndrome; Hereditary neoplastic syndrome. Identifiers: Orphanet 140162, MedGen C0027672, MeSH D009386, MONDO:0015356.

Submission:

Ambry Genetics
Classification: Uncertain significance for Hereditary cancer-predisposing syndrome. Last evaluated: 2024-10-13. Review status: criteria provided, single submitter. Criteria: Ambry Variant Classification Scheme 2023. Collection method: clinical testing. Allele origin: germline.
Comment: The p.G1134A variant (also known as c.3401G>C), located in coding exon 17 of the BLM gene, results from a G to C substitution at nucleotide position 3401. The glycine at codon 1134 is replaced by alanine, an amino acid with similar properties. This amino acid position is conserved. In addition, this alteration is predicted to be deleterious by in silico analysis. Based on the available evidence, the clinical significance of this variant remains unclear.

NM_000057.4(BLM):c.3401G>C (p.Gly1134Ala)

Gene: BLM (BLM RecQ like helicase; plus strand). Cytogenetic location: 15q26.1.
Variant type: single nucleotide variant.
Coding change: c.3401G>C on transcript NM_000057.4 (MANE Select); coding-DNA position 3401, G replaced by C.
Protein change: p.Gly1134Ala; replaces glycine 1134 with alanine.
Molecular consequence: missense variant. On other transcripts: intron variant (1).
Genome position (GRCh38, 1-based): chr15:90,803,563, G>C. VCF-style: chr15-90803563-G-C. GRCh37 (hg19) VCF-style: chr15-91346793-G-C.
Other names: c.3401G>C, p.Gly1134Ala (NM_001287246.2); c.2276G>C, p.Gly759Ala (NM_001287248.2); c.3358+5226G>C (NM_001287247.2); short protein forms G759A, G1134A.
Identifiers: ClinVar variation 3480878 (VCV003480878.1).